The following is an entry in ClinVar:

ClinVar aggregate classification (germline): Uncertain significance (1 of 4 stars; one submission).

Conditions:
Hyperaldosteronism, familial, type IV (HALD4). Also called: FH IV; ALDOSTERONISM, PRIMARY, AND HYPERTENSION. Identifiers: Orphanet 642671, MedGen C4310756, MONDO:0014875, OMIM 617027.
Idiopathic generalized epilepsy. Also called: EIG; Generalised epilepsy. Identifiers: MedGen C0270850, MONDO:0005579, OMIM 600669.

Allele frequency attached by ClinVar (database versions not stated): gnomAD exomes below 0.00001; gnomAD 0.00001.
gnomAD v4.1: 3 of 1,611,188 alleles (0.00019%); highest among the groups gnomAD compares: Non-Finnish European, 0.00025%; no homozygotes.

Submission:

Labcorp Genetics (formerly Invitae), Labcorp
Classification: Uncertain significance for Idiopathic generalized epilepsy; Hyperaldosteronism, familial, type IV. Last evaluated: 2023-08-07. Review status: criteria provided, single submitter. Criteria: Invitae Variant Classification Sherloc (09022015). Collection method: clinical testing. Allele origin: germline.
Comment: In summary, the available evidence is currently insufficient to determine the role of this variant in disease. Therefore, it has been classified as a Variant of Uncertain Significance. Advanced modeling of protein sequence and biophysical properties (such as structural, functional, and spatial information, amino acid conservation, physicochemical variation, residue mobility, and thermodynamic stability) performed at Invitae indicates that this missense variant is expected to disrupt CACNA1H protein function. This variant has not been reported in the literature in individuals affected with CACNA1H-related conditions. This variant is present in population databases (no rsID available, gnomAD 0.007%). This sequence change replaces leucine, which is neutral and non-polar, with valine, which is neutral and non-polar, at codon 1746 of the CACNA1H protein (p.Leu1746Val).

NM_021098.3(CACNA1H):c.5236C>G (p.Leu1746Val)

Gene: CACNA1H (calcium voltage-gated channel subunit alpha1 H; plus strand). Cytogenetic location: 16p13.3.
Variant type: single nucleotide variant.
Coding change: c.5236C>G on transcript NM_021098.3 (MANE Select); coding-DNA position 5236, C replaced by G.
Protein change: p.Leu1746Val; replaces leucine 1746 with valine.
Molecular consequence: missense variant.
Genome position (GRCh38, 1-based): chr16:1,215,585, C>G. VCF-style: chr16-1215585-C-G. GRCh37 (hg19) VCF-style: chr16-1265585-C-G.
Other names: c.5218C>G, p.Leu1740Val (NM_001005407.2); short protein forms L1740V, L1746V.
Identifiers: ClinVar variation 2939723 (VCV002939723.3), dbSNP rs1371063701, ClinGen allele CA394146705.